The following is an entry in ClinVar:

ClinVar aggregate classification (germline): Uncertain significance. Review status: criteria provided, multiple submitters, no conflicts (2 of 4 stars). 2 submissions from 2 submitters: Uncertain significance (2). Last evaluated 2025-03-01.

Conditions:
STT3B-congenital disorder of glycosylation. Also called: Congenital disorder of glycosylation type 1x; STT3B-CDG; CDG Ix. Identifiers: Orphanet 370924, MedGen C2931007, MONDO:0014271, OMIM 615597.

Allele frequency attached by ClinVar (database versions not stated): TOPMed below 0.00001; gnomAD exomes 0.00001.
gnomAD v4.1: 24 of 1,613,686 alleles (0.0015%); highest among the groups gnomAD compares: Non-Finnish European, 0.0019%; no homozygotes.

Submissions (2):

Ambry Genetics
Classification: Uncertain significance. Last evaluated: 2025-03-01. Review status: criteria provided, single submitter. Criteria: Ambry Variant Classification Scheme 2023. Collection method: clinical testing. Allele origin: germline.

Labcorp Genetics (formerly Invitae), Labcorp
Classification: Uncertain significance for STT3B-congenital disorder of glycosylation. Last evaluated: 2023-11-02. Review status: criteria provided, single submitter. Criteria: Invitae Variant Classification Sherloc (09022015). Collection method: clinical testing. Allele origin: germline.
Comment: This sequence change replaces valine, which is neutral and non-polar, with isoleucine, which is neutral and non-polar, at codon 164 of the STT3B protein (p.Val164Ile). This variant is present in population databases (no rsID available, gnomAD 0.003%). This variant has not been reported in the literature in individuals affected with STT3B-related conditions. ClinVar contains an entry for this variant (Variation ID: 1393970). An algorithm developed to predict the effect of missense changes on protein structure and function (PolyPhen-2) suggests that this variant is likely to be tolerated. In summary, the available evidence is currently insufficient to determine the role of this variant in disease. Therefore, it has been classified as a Variant of Uncertain Significance.

NM_178862.3(STT3B):c.490G>A (p.Val164Ile)

Gene: STT3B (STT3 oligosaccharyltransferase complex catalytic subunit B; plus strand). Cytogenetic location: 3p23.
Variant type: single nucleotide variant.
Coding change: c.490G>A on transcript NM_178862.3 (MANE Select); coding-DNA position 490, G replaced by A.
Protein change: p.Val164Ile; replaces valine 164 with isoleucine.
Molecular consequence: missense variant.
Genome position (GRCh38, 1-based): chr3:31,579,875, G>A. VCF-style: chr3-31579875-G-A. GRCh37 (hg19) VCF-style: chr3-31621367-G-A.
Other names: c.490G>A (NM_178862.1); short protein forms V164I.
Identifiers: ClinVar variation 1393970 (VCV001393970.9), dbSNP rs1223992368, ClinGen allele CA351814712.